The following is an entry in ClinVar:

ClinVar aggregate classification (germline): Benign/Likely benign. Review status: criteria provided, multiple submitters, no conflicts (2 of 4 stars). 8 submissions from 8 submitters: Benign (3); Likely benign (3). 2 of the submissions do not count toward it. Last evaluated 2026-05-01.

Conditions:
Idiopathic basal ganglia calcification 1 (PFBC1A). Also called: Familial Idiopathic Basal Ganglia Calcification 2; Familial Idiopathic Basal Ganglia Calcification 3; Primary Familial Brain Calcification; PRIMARY FAMILIAL BRAIN CALCIFICATION 1A, AUTOSOMAL DOMINANT; Fahr's syndrome; Cerebral calcification nonarteriosclerotic idiopathic adult-onset. Identifiers: Orphanet 1980, MedGen C4551624, MONDO:0024538, OMIM 213600.

Allele frequency attached by ClinVar (database versions not stated): 1000 Genomes Project 0.00220; TOPMed 0.00243; gnomAD exomes 0.00252 and 0.00356; gnomAD 0.00272 and 0.00289; 1000 Genomes Project 30x 0.00234; ESP Exome Variant Server 0.00277; ExAC 0.00487.
gnomAD v4.1: 4,110 of 1,613,048 alleles (0.25%); highest among the groups gnomAD compares: African/African-American, 0.35%; 13 homozygotes.

Submissions (8):

CeGaT Center for Human Genetics Tuebingen
Classification: Likely benign. Last evaluated: 2026-05-01. Review status: criteria provided, single submitter. Criteria: CeGaT Center For Human Genetics Tuebingen Variant Classification Criteria Version 2. Collection method: clinical testing. Allele origin: germline. Affected: yes. Observed: 5 variant alleles.
Comment: SLC20A2: BP4, BP7, BS1

Labcorp Genetics (formerly Invitae), Labcorp
Classification: Benign. Last evaluated: 2026-01-25. Review status: criteria provided, single submitter. Criteria: Invitae Variant Classification Sherloc (09022015). Collection method: clinical testing. Allele origin: germline.

GeneDx
Classification: Benign. Last evaluated: 2019-12-04. Review status: criteria provided, single submitter. Criteria: GeneDx Variant Classification Process June 2021. Collection method: clinical testing. Allele origin: germline. Affected: yes.

Illumina Laboratory Services, Illumina
Classification: Benign for Idiopathic basal ganglia calcification 1. Last evaluated: 2018-01-12. Review status: criteria provided, single submitter. Criteria: ICSL Variant Classification Criteria 13 December 2019. Collection method: clinical testing. Allele origin: germline.
Comment: This variant was observed in the ICSL laboratory as part of a predisposition screen in an ostensibly healthy population. It had not been previously curated by ICSL or reported in the Human Gene Mutation Database (HGMD: prior to June 1st, 2018), and was therefore a candidate for classification through an automated scoring system. Utilizing variant allele frequency, disease prevalence and penetrance estimates, and inheritance mode, an automated score was calculated to assess if this variant is too frequent to cause the disease. Based on the score and internal cut-off values, a variant classified as benign is not then subjected to further curation. The score for this variant resulted in a classification of benign for this disease.

Clinical Genetics DNA and cytogenetics Diagnostics Lab, Erasmus MC, Erasmus Medical Center
Classification: Likely benign for Idiopathic basal ganglia calcification 1. Last evaluated: 2017-06-28. Review status: criteria provided, single submitter. Criteria: ACGS Guidelines, 2013. Collection method: clinical testing. Allele origin: germline. Affected: yes. Study: VKGL Data-share Consensus.

Breakthrough Genomics
Classification: Likely benign. Review status: criteria provided, single submitter. Criteria: ACMG Guidelines, 2015. Collection method: not provided. Allele origin: germline. Inheritance: Autosomal dominant inheritance. Affected: yes.

Diagnostic Laboratory, Department of Genetics, University Medical Center Groningen
Classification: Likely benign for Idiopathic basal ganglia calcification 1. Review status: no assertion criteria provided. Collection method: clinical testing. Allele origin: germline. Affected: yes. Study: VKGL Data-share Consensus. Not counted in ClinVar's aggregate classification.

Genome Diagnostics Laboratory, Amsterdam University Medical Center
Classification: Likely benign. Review status: no assertion criteria provided. Collection method: clinical testing. Allele origin: germline. Affected: yes. Study: VKGL Data-share Consensus. Not counted in ClinVar's aggregate classification.

NM_001257180.2(SLC20A2):c.933C>T (p.Tyr311=)

Gene: SLC20A2 (solute carrier family 20 member 2; minus strand). Cytogenetic location: 8p11.21.
Variant type: single nucleotide variant.
Coding change: c.933C>T on transcript NM_001257180.2 (MANE Select); coding-DNA position 933, C replaced by T.
Protein change: p.Tyr311=; no amino-acid change (tyrosine 311 retained).
Molecular consequence: synonymous variant.
Genome position (GRCh38, 1-based): chr8:42,439,451, G>A on the plus strand (C>T on the coding strand, the complement: SLC20A2 is on the minus strand). VCF-style: chr8-42439451-G-A. GRCh37 (hg19) VCF-style: chr8-42296969-G-A.
Other names: c.933C>T, p.Tyr311= (NM_001257181.2, NM_006749.5).
Identifiers: ClinVar variation 363079 (VCV000363079.25), dbSNP rs115902470, ClinGen allele CA4733431.